The following is an entry in ClinVar:

NM_002863.5(PYGL):c.1964_1969+4delinsGAAAAA

Gene: PYGL (glycogen phosphorylase L; minus strand). Cytogenetic location: 14q22.1.
Variant type: Indel.
Coding change: c.1964_1969+4delinsGAAAAA on transcript NM_002863.5 (MANE Select); coding-DNA position 1964 through 4 bases into the intron after coding-DNA position 1969, AAAAAGGTAC replaced by GAAAAA.
Molecular consequence: splice donor variant.
Genome position (GRCh38, 1-based): chr14:50,911,726-50,911,735, GTACCTTTTT replaced by TTTTTC on the plus strand (AAAAAGGTAC replaced by GAAAAA on the coding strand, the reverse complement: PYGL is on the minus strand). VCF-style: chr14-50911726-GTACCTTTTT-TTTTTC. GRCh37 (hg19) VCF-style: chr14-51378444-GTACCTTTTT-TTTTTC.
Other names: c.1964_1969+4delinsGAAAAA (NM_002863.4); c.1862_1867+4delinsGAAAAA (NM_001163940.2).
Identifiers: ClinVar variation 2148422 (VCV002148422.6), dbSNP rs2503489724, ClinGen allele CA2580088240.

ClinVar aggregate classification (germline): Pathogenic. Review status: criteria provided, multiple submitters, no conflicts (2 of 4 stars). 2 submissions from 2 submitters: Pathogenic (2). Last evaluated 2024-09-09.

Conditions:
PYGL-related disorder. Also called: PYGL-related condition.
Glycogen storage disease, type VI (GSD6). Also called: HERS DISEASE; PHOSPHORYLASE DEFICIENCY GLYCOGEN-STORAGE DISEASE OF LIVER; Glycogen storage disease type 6, due to phosphorylation; GSD VI; Glycogen storage disease type 6; Hepatic glycogen phosphorylase deficiency. Identifiers: Orphanet 369, MedGen C0017925, MONDO:0009294, OMIM 232700.

Submissions (2):

Labcorp Genetics (formerly Invitae), Labcorp
Classification: Pathogenic for Glycogen storage disease, type VI. Last evaluated: 2024-09-09. Review status: criteria provided, single submitter. Criteria: Invitae Variant Classification Sherloc (09022015). Collection method: clinical testing. Allele origin: germline.
Comment: This variant results in the deletion of part of exon 16 of the PYGL gene. It is expected to disrupt RNA splicing. Variants that disrupt the donor or acceptor splice site typically lead to a loss of protein function (PMID: 16199547), and loss-of-function variants in PYGL are known to be pathogenic (PMID: 9536091, 21646031). Information on the frequency of this variant in the gnomAD database is not available, as this variant may be reported differently in the database. This variant has been observed in individuals with clinical features of glycogen storage disease (PMID: 17705025; internal data). This variant is also known as c.1964_1969inv6;c.1969+1_+4delGTAC. For these reasons, this variant has been classified as Pathogenic.

PreventionGenetics, part of Exact Sciences
Classification: Pathogenic for PYGL-related condition. Last evaluated: 2023-03-03. Review status: criteria provided, single submitter. Criteria: ACMG Guidelines, 2015. Collection method: clinical testing. Allele origin: germline.
Comment: The PYGL c.1964_1969+4delinsGAAAAA variant is predicted to result in an in-frame deletion and insertion. This variant is predicted to abolish a canonical splice site. This variant was reported in the compound heterozygous state in an individual with glycogen storage disease 6 (Beauchamp et al. 2007. PubMed ID: 17705025). This variant has not been reported in a large population database, indicating this variant is rare. This variant is interpreted as pathogenic.

Literature cited by the submitters: PubMed 16199547 (cited by Labcorp Genetics (formerly Invitae), Labcorp); PubMed 9536091 (cited by Labcorp Genetics (formerly Invitae), Labcorp); PubMed 21646031 (cited by Labcorp Genetics (formerly Invitae), Labcorp); PubMed 17705025 (cited by Labcorp Genetics (formerly Invitae), Labcorp).